The following is an entry in ClinVar:

ClinVar aggregate classification (germline): Uncertain significance. Review status: criteria provided, multiple submitters, no conflicts (2 of 4 stars). 2 submissions from 2 submitters: Uncertain significance (2). Last evaluated 2025-09-28.

Conditions:
Inborn genetic diseases. Identifiers: MedGen C0950123, MeSH D030342.

Allele frequency attached by ClinVar (database versions not stated): gnomAD exomes below 0.00001; gnomAD 0.00002.
gnomAD v4.1: 4 of 1,601,314 alleles (0.00025%); highest among the groups gnomAD compares: Non-Finnish European, 0.00034%; no homozygotes.

Submissions (2):

Ambry Genetics
Classification: Uncertain significance for Inborn genetic diseases. Last evaluated: 2025-09-28. Review status: criteria provided, single submitter. Criteria: Ambry Variant Classification Scheme 2023. Collection method: clinical testing. Allele origin: germline.

Labcorp Genetics (formerly Invitae), Labcorp
Classification: Uncertain significance. Last evaluated: 2022-01-18. Review status: criteria provided, single submitter. Criteria: Invitae Variant Classification Sherloc (09022015). Collection method: clinical testing. Allele origin: germline.
Comment: This sequence change replaces threonine, which is neutral and polar, with isoleucine, which is neutral and non-polar, at codon 672 of the SLC12A1 protein (p.Thr672Ile). The frequency data for this variant in the population databases is considered unreliable, as metrics indicate poor data quality at this position in the gnomAD database. This variant has not been reported in the literature in individuals affected with SLC12A1-related conditions. Algorithms developed to predict the effect of missense changes on protein structure and function are either unavailable or do not agree on the potential impact of this missense change (SIFT: "Tolerated"; PolyPhen-2: "Possibly Damaging"; Align-GVGD: "Class C0"). In summary, the available evidence is currently insufficient to determine the role of this variant in disease. Therefore, it has been classified as a Variant of Uncertain Significance.

NM_000338.3(SLC12A1):c.2015C>T (p.Thr672Ile)

Gene: SLC12A1 (solute carrier family 12 member 1; plus strand). Cytogenetic location: 15q21.1.
Variant type: single nucleotide variant.
Coding change: c.2015C>T on transcript NM_000338.3 (MANE Select); coding-DNA position 2015, C replaced by T.
Protein change: p.Thr672Ile; replaces threonine 672 with isoleucine.
Molecular consequence: missense variant.
Genome position (GRCh38, 1-based): chr15:48,255,883, C>T. VCF-style: chr15-48255883-C-T. GRCh37 (hg19) VCF-style: chr15-48548080-C-T.
Other names: c.2015C>T, p.Thr672Ile (NM_001184832.2, NM_001384136.1); c.2015C>T (NM_000338.2); short protein forms T672I.
Identifiers: ClinVar variation 1952186 (VCV001952186.6), dbSNP rs1344085173, ClinGen allele CA392313905.